The following is an entry in ClinVar:

ClinVar aggregate classification (germline): Conflicting classifications of pathogenicity. Review status: criteria provided, conflicting classifications (1 of 4 stars). 3 submissions from 3 submitters: Uncertain significance (2); Likely benign (1). Last evaluated 2023-10-13.

Conditions:
Myoclonic dystonia 26. Identifiers: MedGen C4225341, MONDO:0014620, OMIM 616398.
Inborn genetic diseases. Identifiers: MedGen C0950123, MeSH D030342.

Allele frequency attached by ClinVar (database versions not stated): gnomAD 0.00002; gnomAD exomes 0.00003; TOPMed 0.00005; ExAC 0.00009; 1000 Genomes Project 30x 0.00016; 1000 Genomes Project 0.00020.
gnomAD v4.1: 50 of 1,609,866 alleles (0.0031%); highest among the groups gnomAD compares: South Asian, 0.029%; no homozygotes.

Submissions (3):

Ambry Genetics
Classification: Uncertain significance for Inborn genetic diseases. Last evaluated: 2023-10-13. Review status: criteria provided, single submitter. Criteria: Ambry Variant Classification Scheme 2023. Collection method: clinical testing. Allele origin: germline.

Labcorp Genetics (formerly Invitae), Labcorp
Classification: Uncertain significance for Myoclonic dystonia 26. Last evaluated: 2023-04-22. Review status: criteria provided, single submitter. Criteria: Invitae Variant Classification Sherloc (09022015). Collection method: clinical testing. Allele origin: germline.
Comment: This sequence change replaces arginine, which is basic and polar, with cysteine, which is neutral and slightly polar, at codon 208 of the KCTD17 protein (p.Arg208Cys). This variant is present in population databases (rs543313859, gnomAD 0.06%), and has an allele count higher than expected for a pathogenic variant. This variant has not been reported in the literature in individuals affected with KCTD17-related conditions. ClinVar contains an entry for this variant (Variation ID: 2061604). Advanced modeling of protein sequence and biophysical properties (such as structural, functional, and spatial information, amino acid conservation, physicochemical variation, residue mobility, and thermodynamic stability) performed at Invitae indicates that this missense variant is not expected to disrupt KCTD17 protein function. In summary, the available evidence is currently insufficient to determine the role of this variant in disease. Therefore, it has been classified as a Variant of Uncertain Significance.

CeGaT Center for Human Genetics Tuebingen
Classification: Likely benign. Last evaluated: 2022-11-01. Review status: criteria provided, single submitter. Criteria: CeGaT Center For Human Genetics Tuebingen Variant Classification Criteria Version 2. Collection method: clinical testing. Allele origin: germline. Affected: yes. Observed: 1 variant allele.
Comment: KCTD17: BP4

NM_001282684.2(KCTD17):c.601C>T (p.Arg201Cys)

Gene: KCTD17 (potassium channel tetramerization domain containing 17; plus strand). Cytogenetic location: 22q12.3.
Variant type: single nucleotide variant.
Coding change: c.601C>T on transcript NM_001282684.2 (MANE Select); coding-DNA position 601, C replaced by T.
Protein change: p.Arg201Cys; replaces arginine 201 with cysteine.
Molecular consequence: missense variant.
Genome position (GRCh38, 1-based): chr22:37,059,427, C>T. VCF-style: chr22-37059427-C-T. GRCh37 (hg19) VCF-style: chr22-37455467-C-T.
Other names: c.622C>T (NM_024681.2); c.601C>T, p.Arg201Cys (NM_001282685.2, NM_001282686.2, NM_024681.4); short protein forms R201C.
Identifiers: ClinVar variation 2061604 (VCV002061604.29), dbSNP rs543313859, ClinGen allele CA10215090.